The following is an entry in ClinVar:

ClinVar aggregate classification (germline): Likely benign. Review status: criteria provided, multiple submitters, no conflicts (2 of 4 stars). 2 submissions from 2 submitters: Likely benign (2). Last evaluated 2024-10-10.

Conditions:
PKD1-related disorder. Also called: PKD1-related condition.

gnomAD v4.1: 26 of 1,535,996 alleles (0.0017%); highest among the groups gnomAD compares: Non-Finnish European, 0.002%; no homozygotes.

Submissions (2):

PreventionGenetics, part of Exact Sciences
Classification: Likely benign for PKD1-related condition. Last evaluated: 2024-10-10. Review status: criteria provided, single submitter. Criteria: ACMG Guidelines, 2015. Collection method: clinical testing. Allele origin: germline.
Comment: This variant is classified as likely benign based on ACMG/AMP sequence variant interpretation guidelines (Richards et al. 2015 PMID: 25741868, with internal and published modifications).

Blueprint Genetics
Classification: Likely benign. Last evaluated: 2021-12-21. Review status: criteria provided, single submitter. Criteria: ACMG Guidelines, 2015. Collection method: clinical testing. Allele origin: germline.

NM_001009944.3(PKD1):c.2325G>A (p.Thr775=)

Gene: PKD1 (polycystin 1, transient receptor potential channel interacting; minus strand). Cytogenetic location: 16p13.3.
Variant type: single nucleotide variant.
Coding change: c.2325G>A on transcript NM_001009944.3 (MANE Select); coding-DNA position 2325, G replaced by A.
Protein change: p.Thr775=; no amino-acid change (threonine 775 retained).
Molecular consequence: synonymous variant.
Genome position (GRCh38, 1-based): chr16:2,114,698, C>T on the plus strand (G>A on the coding strand, the complement: PKD1 is on the minus strand). VCF-style: chr16-2114698-C-T. GRCh37 (hg19) VCF-style: chr16-2164699-C-T.
Other names: c.2325G>A, p.Thr775= (NM_000296.4).
Identifiers: ClinVar variation 4927953 (VCV004927953.2).